The following is an entry in ClinVar:

ClinVar aggregate classification (germline): Uncertain significance (1 of 4 stars; one submission).

Submission:

Labcorp Genetics (formerly Invitae), Labcorp
Classification: Uncertain significance. Last evaluated: 2022-09-01. Review status: criteria provided, single submitter. Criteria: Invitae Variant Classification Sherloc (09022015). Collection method: clinical testing. Allele origin: germline.
Comment: This variant, c.3239_3262del, results in the deletion of 8 amino acid(s) of the INPPL1 protein (p.Arg1080_Gly1087del), but otherwise preserves the integrity of the reading frame. This variant is present in population databases (rs759634375, gnomAD 0.01%). This variant has not been reported in the literature in individuals affected with INPPL1-related conditions. ClinVar contains an entry for this variant (Variation ID: 1405850). Experimental studies and prediction algorithms are not available or were not evaluated, and the functional significance of this variant is currently unknown. In summary, the available evidence is currently insufficient to determine the role of this variant in disease. Therefore, it has been classified as a Variant of Uncertain Significance.

NM_001567.4(INPPL1):c.3239_3262del (p.Arg1080_Gly1087del)

Gene: INPPL1 (inositol polyphosphate phosphatase like 1; plus strand). Cytogenetic location: 11q13.4.
Variant type: Deletion.
Coding change: c.3239_3262del on transcript NM_001567.4 (MANE Select); coding-DNA positions 3239 to 3262, 24 bases deleted (GTGGTGGGGCTGAGGCCCGTGGCC).
Protein change: p.Arg1080_Gly1087del.
Molecular consequence: inframe deletion.
Genome position (GRCh38, 1-based): chr11:72,237,483-72,237,506, GTGGTGGGGCTGAGGCCCGTGGCC deleted; deleting any 24 consecutive bases within chr11:72,237,479-72,237,506 gives the same sequence; the c. name uses the placement nearest the transcript's 3' end. VCF-style (leftmost placement, unchanged base first): chr11-72237478-GGGCCGTGGTGGGGCTGAGGCCCGT-G. GRCh37 (hg19) VCF-style: chr11-71948522-GGGCCGTGGTGGGGCTGAGGCCCGT-G.
Identifiers: ClinVar variation 1405850 (VCV001405850.3), dbSNP rs759634375, ClinGen allele CA6170588.